The following is an entry in ClinVar:

ClinVar aggregate classification (germline): Uncertain significance (1 of 4 stars; one submission).

Conditions:
Inborn genetic diseases. Identifiers: MedGen C0950123, MeSH D030342.

gnomAD v4.1: 1 of 1,614,118 alleles (0.000062%); highest among the groups gnomAD compares: Non-Finnish European, 0.000085%; no homozygotes.

Submission:

Ambry Genetics
Classification: Uncertain significance for Inborn genetic diseases. Last evaluated: 2024-11-30. Review status: criteria provided, single submitter. Criteria: Ambry Variant Classification Scheme 2023. Collection method: clinical testing. Allele origin: germline.
Comment: The p.N1637K variant (also known as c.4911T>G), located in coding exon 32 of the ANKRD26 gene, results from a T to G substitution at nucleotide position 4911. The asparagine at codon 1637 is replaced by lysine, an amino acid with similar properties. This amino acid position is conserved. In addition, this alteration is predicted to be tolerated by in silico analysis. Based on the available evidence, the clinical significance of this variant remains unclear.

NM_014915.3(ANKRD26):c.4911T>G (p.Asn1637Lys)

Gene: ANKRD26 (ankyrin repeat domain containing 26; minus strand). Cytogenetic location: 10p12.1.
Variant type: single nucleotide variant.
Coding change: c.4911T>G on transcript NM_014915.3 (MANE Select); coding-DNA position 4911, T replaced by G.
Protein change: p.Asn1637Lys; replaces asparagine 1637 with lysine.
Molecular consequence: missense variant.
Genome position (GRCh38, 1-based): chr10:27,012,924, A>C on the plus strand (T>G on the coding strand, the complement: ANKRD26 is on the minus strand). VCF-style: chr10-27012924-A-C. GRCh37 (hg19) VCF-style: chr10-27301853-A-C.
Other names: c.4908T>G, p.Asn1636Lys (NM_001256053.2); short protein forms N1636K, N1637K.
Identifiers: ClinVar variation 3396448 (VCV003396448.1).